The following is an entry in ClinVar:

ClinVar aggregate classification (germline): Uncertain significance. Review status: criteria provided, multiple submitters, no conflicts (2 of 4 stars). 4 submissions from 4 submitters: Uncertain significance (4). Last evaluated 2025-02-21.

Conditions:
Autosomal recessive distal spinal muscular atrophy 1. Also called: NEURONOPATHY, DISTAL HEREDITARY MOTOR, HARDING TYPE VI; NEUROPATHY, DISTAL HEREDITARY MOTOR, AUTOSOMAL RECESSIVE 1; SEVERE INFANTILE AXONAL NEUROPATHY WITH RESPIRATORY FAILURE; SPINAL MUSCULAR ATROPHY, DIAPHRAGMATIC; HMN VI; NEURONOPATHY, SEVERE INFANTILE AXONAL, WITH RESPIRATORY FAILURE. Identifiers: Orphanet 98920, MedGen C1858517, MONDO:0011436, OMIM 604320.
Charcot-Marie-Tooth disease axonal type 2S. Also called: CHARCOT-MARIE-TOOTH DISEASE, AXONAL, AUTOSOMAL RECESSIVE, TYPE 2S; CHARCOT-MARIE-TOOTH NEUROPATHY, TYPE 2S. Identifiers: Orphanet 443073, MedGen C4015349, MONDO:0014511, OMIM 616155.

Allele frequency attached by ClinVar (database versions not stated): gnomAD exomes below 0.00001; TOPMed 0.00002; gnomAD 0.00003.
gnomAD v4.1: 36 of 1,612,350 alleles (0.0022%); highest among the groups gnomAD compares: Middle Eastern, 0.016%; no homozygotes.

Submissions (4):

Women's Health and Genetics/Laboratory Corporation of America, LabCorp
Classification: Uncertain significance. Last evaluated: 2025-02-21. Review status: criteria provided, single submitter. Criteria: LabCorp Variant Classification Summary - May 2015. Collection method: clinical testing. Allele origin: germline.
Comment: Variant summary: IGHMBP2 c.1451C>T (p.Thr484Met) results in a non-conservative amino acid change located in the Upf1-like, C-terminal helicase domain (IPR047187) of the encoded protein sequence. Five of five in-silico tools predict a damaging effect of the variant on protein function. The variant allele was found at a frequency of 4.1e-06 in 245440 control chromosomes. The available data on variant occurrences in the general population are insufficient to allow any conclusion about variant significance. c.1451C>T has been reported in the literature in at least one individual affected with Charcot-Marie-Tooth disease (Antoniadi_2015). This report does not provide unequivocal conclusions about association of the variant with Charcot-Marie-Tooth disease axonal type 2S. To our knowledge, no experimental evidence demonstrating an impact on protein function has been reported. The following publication has been ascertained in the context of this evaluation (PMID: 26392352). ClinVar contains an entry for this variant (Variation ID: 641497). Based on the evidence outlined above, the variant was classified as uncertain significance.

Labcorp Genetics (formerly Invitae), Labcorp
Classification: Uncertain significance for Autosomal recessive distal spinal muscular atrophy 1; Charcot-Marie-Tooth disease axonal type 2S. Last evaluated: 2021-08-28. Review status: criteria provided, single submitter. Criteria: Invitae Variant Classification Sherloc (09022015). Collection method: clinical testing. Allele origin: germline.
Comment: This sequence change replaces threonine with methionine at codon 484 of the IGHMBP2 protein (p.Thr484Met). The threonine residue is highly conserved and there is a moderate physicochemical difference between threonine and methionine. This variant is not present in population databases (ExAC no frequency). This missense change has been observed in individual(s) with Charcot-Marie-Tooth disease (CMT) (PMID: 26392352). In at least one individual the data is consistent with the variant being in trans (on the opposite chromosome) from a pathogenic variant. Algorithms developed to predict the effect of missense changes on protein structure and function are either unavailable or do not agree on the potential impact of this missense change (SIFT: "Deleterious"; PolyPhen-2: "Probably Damaging"; Align-GVGD: "Class C0"). In summary, the available evidence is currently insufficient to determine the role of this variant in disease. Therefore, it has been classified as a Variant of Uncertain Significance.

GeneDx
Classification: Uncertain significance. Last evaluated: 2019-10-21. Review status: criteria provided, single submitter. Criteria: GeneDx Variant Classification Process June 2021. Collection method: clinical testing. Allele origin: germline. Affected: yes.
Comment: Not observed at a significant frequency in large population cohorts (Lek et al., 2016); In silico analysis, which includes protein predictors and evolutionary conservation, supports a deleterious effect; Previously reported in as a likely pathogenic variant in an individual with CMT1; however additional clinical information and parental results were not available (Antoniadi et al., 2015).; This variant is associated with the following publications: (PMID: 26392352)

Mayo Clinic Laboratories, Mayo Clinic
Classification: Uncertain significance. Last evaluated: 2019-06-03. Review status: criteria provided, single submitter. Criteria: ACMG Guidelines, 2015. Collection method: clinical testing. Allele origin: germline. Observed: 1 variant allele.

Literature cited by the submitters: PubMed 26392352 (cited by Women's Health and Genetics/Laboratory Corporation of America, LabCorp and Labcorp Genetics (formerly Invitae), Labcorp).

NM_002180.3(IGHMBP2):c.1451C>T (p.Thr484Met)

Gene: IGHMBP2 (immunoglobulin mu DNA binding protein 2; plus strand). Cytogenetic location: 11q13.3.
Variant type: single nucleotide variant.
Coding change: c.1451C>T on transcript NM_002180.3 (MANE Select); coding-DNA position 1451, C replaced by T.
Protein change: p.Thr484Met; replaces threonine 484 with methionine.
Molecular consequence: missense variant.
Genome position (GRCh38, 1-based): chr11:68,933,827, C>T. VCF-style: chr11-68933827-C-T. GRCh37 (hg19) VCF-style: chr11-68701295-C-T.
Other names: short protein forms T484M.
Identifiers: ClinVar variation 641497 (VCV000641497.13), dbSNP rs1170552394, ClinGen allele CA381649799.
Genomic context (GRCh38, chr11:68,933,827, plus strand): 5'-ATGTGCTCCCTCTCTGCCTGTGTGCCAGGGACCTCCCAGGTGTGGCTGCCACAGAAGAGA[C>T]GGGTGTGCCCCTGCTCTTGGTGGACACCGCCGGCTGCGGGCTGTTTGAGCTGGAGGAGGA-3'
Protein context (NP_002171.2, residues 474-494): DLPGVAATEE[Thr484Met]GVPLLLVDTA